The following is an entry in ClinVar:

NM_002187.3(IL12B):c.182C>A (p.Thr61Asn)

Gene: IL12B (interleukin 12B; minus strand). Cytogenetic location: 5q33.3.
Variant type: single nucleotide variant.
Coding change: c.182C>A on transcript NM_002187.3 (MANE Select); coding-DNA position 182, C replaced by A.
Protein change: p.Thr61Asn; replaces threonine 61 with asparagine.
Molecular consequence: missense variant.
Genome position (GRCh38, 1-based): chr5:159,323,236, G>T on the plus strand (C>A on the coding strand, the complement: IL12B is on the minus strand). VCF-style: chr5-159323236-G-T. GRCh37 (hg19) VCF-style: chr5-158750244-G-T.
Other names: short protein forms T61N.
Identifiers: ClinVar variation 1462206 (VCV001462206.8), dbSNP rs2113030372, ClinGen allele CA362036468.

ClinVar aggregate classification (germline): Uncertain significance (1 of 4 stars; one submission).

Conditions:
Mendelian susceptibility to mycobacterial diseases due to complete IL12B deficiency. Also called: IL12B DEFICIENCY; Immunodeficiency 29. Identifiers: Orphanet 319558, MedGen C4013948, MONDO:0013954, OMIM 614890.

Allele frequency attached by ClinVar (database versions not stated): gnomAD exomes below 0.00001.
gnomAD v4.1: 1 of 1,614,084 alleles (0.000062%); highest among the groups gnomAD compares: South Asian, 0.0011%; no homozygotes.

Submission:

Labcorp Genetics (formerly Invitae), Labcorp
Classification: Uncertain significance for Mendelian susceptibility to mycobacterial diseases due to complete IL12B deficiency. Last evaluated: 2020-12-24. Review status: criteria provided, single submitter. Criteria: Invitae Variant Classification Sherloc (09022015). Collection method: clinical testing. Allele origin: germline.
Comment: In summary, the available evidence is currently insufficient to determine the role of this variant in disease. Therefore, it has been classified as a Variant of Uncertain Significance. Algorithms developed to predict the effect of missense changes on protein structure and function (SIFT, PolyPhen-2, Align-GVGD) all suggest that this variant is likely to be tolerated, but these predictions have not been confirmed by published functional studies and their clinical significance is uncertain. This variant has not been reported in the literature in individuals with IL12B-related conditions. This variant is not present in population databases (ExAC no frequency). This sequence change replaces threonine with asparagine at codon 61 of the IL12B protein (p.Thr61Asn). The threonine residue is moderately conserved and there is a small physicochemical difference between threonine and asparagine.